The following is an entry in ClinVar:

NM_003846.3(PEX11B):c.349_351del (p.Glu117del)

Gene: PEX11B (peroxisomal biogenesis factor 11 beta; minus strand). Cytogenetic location: 1q21.1.
Variant type: Deletion.
Coding change: c.349_351del on transcript NM_003846.3 (MANE Select); coding-DNA positions 349 to 351, 3 bases deleted (GAG; older notation c.349_351delGAG).
Protein change: p.Glu117del; deletes glutamic acid 117.
Molecular consequence: inframe deletion. On other transcripts: non-coding transcript variant (3).
Genome position (GRCh38, 1-based): chr1:145,916,840-145,916,842, CTC deleted on the plus strand (GAG on the coding strand, the reverse complement: PEX11B is on the minus strand); deleting any 3 consecutive bases within chr1:145,916,840-145,916,844 gives the same sequence; the c. name uses the placement nearest the transcript's 3' end. VCF-style (leftmost placement, unchanged base first): chr1-145916839-TCTC-T. GRCh37 (hg19) VCF-style: chr1-145518244-CAGG-C.
Other names: c.307_309del, p.Glu103del (NM_001184795.1); short protein forms E117del, E103del.
Identifiers: ClinVar variation 596712 (VCV000596712.7), dbSNP rs782040121, ClinGen allele CA1055572.

ClinVar aggregate classification (germline): Uncertain significance. Review status: criteria provided, multiple submitters, no conflicts (2 of 4 stars). 2 submissions from 2 submitters: Uncertain significance (2). Last evaluated 2022-07-27.

Submissions (2):

Labcorp Genetics (formerly Invitae), Labcorp
Classification: Uncertain significance. Last evaluated: 2022-07-27. Review status: criteria provided, single submitter. Criteria: Invitae Variant Classification Sherloc (09022015). Collection method: clinical testing. Allele origin: germline.
Comment: This variant is present in population databases (rs782040121, gnomAD 0.006%). This variant has not been reported in the literature in individuals affected with PEX11B-related conditions. ClinVar contains an entry for this variant (Variation ID: 596712). Experimental studies and prediction algorithms are not available or were not evaluated, and the functional significance of this variant is currently unknown. In summary, the available evidence is currently insufficient to determine the role of this variant in disease. Therefore, it has been classified as a Variant of Uncertain Significance. This variant, c.349_351del, results in the deletion of 1 amino acid(s) of the PEX11B protein (p.Glu117del), but otherwise preserves the integrity of the reading frame.

Eurofins Ntd Llc (ga)
Classification: Uncertain significance. Last evaluated: 2018-03-29. Review status: criteria provided, single submitter. Criteria: EGL ClinVar v180209 classification definitions. Collection method: clinical testing. Allele origin: germline.